The following is an entry in ClinVar:

NM_004859.4(CLTC):c.3569T>C (p.Ile1190Thr)

Gene: CLTC (clathrin heavy chain; plus strand). Cytogenetic location: 17q23.1.
Variant type: single nucleotide variant.
Coding change: c.3569T>C on transcript NM_004859.4 (MANE Select); coding-DNA position 3569, T replaced by C.
Protein change: p.Ile1190Thr; replaces isoleucine 1190 with threonine.
Molecular consequence: missense variant.
Genome position (GRCh38, 1-based): chr17:59,682,397, T>C. VCF-style: chr17-59682397-T-C. GRCh37 (hg19) VCF-style: chr17-57759758-T-C.
Other names: c.3581T>C, p.Ile1194Thr (NM_001288653.2); short protein forms I1194T, I1190T.
Identifiers: ClinVar variation 3722208 (VCV003722208.2).
Genomic context (GRCh38, chr17:59,682,397, plus strand): 5'-AGACAGAACTGATATTCGCACTGGCTAAAACAAACCGCCTTGCAGAGTTAGAAGAATTTA[T>C]CAATGGACCAAATAATGCTCATATCCAACAAGTGGGTTTCCTTTTCAGATTTAAGAAAAA-3'
Protein context (NP_004850.1, residues 1180-1200): TNRLAELEEF[Ile1190Thr]NGPNNAHIQQ

ClinVar aggregate classification (germline): Uncertain significance (1 of 4 stars; one submission).

Submission:

Labcorp Genetics (formerly Invitae), Labcorp
Classification: Uncertain significance. Last evaluated: 2024-09-29. Review status: criteria provided, single submitter. Criteria: Invitae Variant Classification Sherloc (09022015). Collection method: clinical testing. Allele origin: germline.
Comment: This sequence change replaces isoleucine, which is neutral and non-polar, with threonine, which is neutral and polar, at codon 1194 of the CLTC protein (p.Ile1194Thr). This variant is not present in population databases (gnomAD no frequency). This variant has not been reported in the literature in individuals affected with CLTC-related conditions. Invitae Evidence Modeling of protein sequence and biophysical properties (such as structural, functional, and spatial information, amino acid conservation, physicochemical variation, residue mobility, and thermodynamic stability) indicates that this missense variant is not expected to disrupt CLTC protein function with a negative predictive value of 80%. In summary, the available evidence is currently insufficient to determine the role of this variant in disease. Therefore, it has been classified as a Variant of Uncertain Significance.